The following is an entry in ClinVar:

ClinVar aggregate classification (germline): Uncertain significance. Review status: criteria provided, multiple submitters, no conflicts (2 of 4 stars). 3 submissions from 3 submitters: Uncertain significance (2). 1 of the submissions does not count toward it. Last evaluated 2021-06-01.

Conditions:
PTHLH-related disorder. Also called: PTHLH-related condition.

Allele frequency attached by ClinVar (database versions not stated): gnomAD 0.00011 and 0.00012; 1000 Genomes Project 30x 0.00016; gnomAD exomes 0.00018; TOPMed 0.00019; 1000 Genomes Project 0.00020; ESP Exome Variant Server 0.00023; ExAC 0.00035.

Submissions (3):

CeGaT Center for Human Genetics Tuebingen
Classification: Uncertain significance. Last evaluated: 2021-06-01. Review status: criteria provided, single submitter. Criteria: CeGaT Center For Human Genetics Tuebingen Variant Classification Criteria Version 2. Collection method: clinical testing. Allele origin: germline. Affected: yes. Observed: 1 variant allele.

Breakthrough Genomics
Classification: Uncertain significance. Review status: criteria provided, single submitter. Criteria: ACMG Guidelines, 2015. Collection method: not provided. Allele origin: germline. Inheritance: Autosomal dominant inheritance. Affected: yes.

PreventionGenetics, part of Exact Sciences
Classification: Likely benign for PTHLH-related condition. Last evaluated: 2021-11-08. Review status: no assertion criteria provided. Collection method: clinical testing. Allele origin: germline. Not counted in ClinVar's aggregate classification.
Comment: This variant is classified as likely benign based on ACMG/AMP sequence variant interpretation guidelines (Richards et al. 2015 PMID: 25741868, with internal and published modifications).

NM_198965.2(PTHLH):c.-1G>A

Gene: PTHLH (parathyroid hormone like hormone; minus strand). Cytogenetic location: 12p11.22.
Variant type: single nucleotide variant.
Coding change: c.-1G>A on transcript NM_198965.2 (MANE Select); 1 bases upstream of the start codon, G replaced by A.
Molecular consequence: 5 prime UTR variant.
Genome position (GRCh38, 1-based): chr12:27,969,495, C>T on the plus strand (G>A on the coding strand, the complement: PTHLH is on the minus strand). VCF-style: chr12-27969495-C-T. GRCh37 (hg19) VCF-style: chr12-28122428-C-T.
Other names: c.-1G>A (NM_198965.1, NM_002820.3, NM_198964.2 and 1 more transcripts).
Identifiers: ClinVar variation 1175820 (VCV001175820.37), dbSNP rs146647632, ClinGen allele CA6494977.
Genomic context (GRCh38, chr12:27,969,495, plus strand): 5'-CACCGCGTAGCTCAGCAGGAACACCGCGACGCTCCACTGCTGAACCAGTCTCCGCTGCAT[C>T]GTCTCCGCTCGCGCTCGGGACCTGCAACAGAAGGGAATGGGACCCGAGTGTCAGTCTGGA-3'